The following is an entry in ClinVar:

NC_000014.8:g.(?_95556835)_(95557712_?)dup

Gene: DICER1 (dicer 1, ribonuclease III; minus strand). Cytogenetic location: 14q32.13.
Variant type: Duplication.
Identifiers: ClinVar variation 3244047 (VCV003244047.1).

ClinVar aggregate classification (germline): Uncertain significance (1 of 4 stars; one submission).

Conditions:
DICER1-related tumor predisposition. Also called: DICER1 syndrome; DICER1-related pleuropulmonary blastoma cancer predisposition syndrome. Identifiers: Orphanet 284343, MedGen C3839822, MONDO:0100216.

Submission:

Labcorp Genetics (formerly Invitae), Labcorp
Classification: Uncertain significance for DICER1-related tumor predisposition. Last evaluated: 2022-11-29. Review status: criteria provided, single submitter. Criteria: Invitae Variant Classification Sherloc (09022015). Collection method: clinical testing. Allele origin: unknown.
Comment: In summary, the available evidence is currently insufficient to determine the role of this variant in disease. Therefore, it has been classified as a Variant of Uncertain Significance. This variant has not been reported in the literature in individuals affected with DICER1-related conditions. This variant results in a copy number gain of the genomic region encompassing exon(s) 25-27 of the DICER1 gene. This region includes the termination codon of the gene. This copy number gain extends beyond the assayed region for this gene and therefore may encompass additional genes. As the precise location of this event is unknown, it may be in tandem or it may be located elsewhere in the genome.